The following is an entry in ClinVar:

ClinVar aggregate classification (germline): Uncertain significance (1 of 4 stars; one submission).

Conditions:
Primary dilated cardiomyopathy (DCM). Also called: Dilated Cardiomyopathy. Identifiers: Orphanet 217604, MedGen C0007193, MeSH D002311, MONDO:0005021, HP:0001644. Inheritance: Various modes of inheritance.

Submission:

Molecular Genetics, Royal Melbourne Hospital
Classification: Uncertain significance for Primary dilated cardiomyopathy. Last evaluated: 2024-09-08. Review status: criteria provided, single submitter. Criteria: ACMG Guidelines, 2015. Collection method: clinical testing. Allele origin: germline. Inheritance: Autosomal dominant inheritance.
Comment: This sequence change in TTN is a nonsense variant predicted to cause a premature stop codon, p.(Val508*), in constitutively expressed exon 9 (percentage splice in, PSI, 100%) in the Z-disk. There is limited evidence that high PSI truncating variants in this region of TTN cause dilated cardiomyopathy (PMID: 25589632, 31216868, 31587567, 38412038). This variant is absent from the population database gnomAD v4.1. To our knowledge, this variant is novel and has not been previously reported in the relevant scientific literature or databases. Based on the classification scheme RMH Modified ACMG/AMP Guidelines v1.7.0, this variant is classified as a VARIANT OF UNCERTAIN SIGNIFICANCE. Following criteria are met: PVS1_Moderate, PM2_Supporting.

Literature cited by the submitters: PubMed 25589632; PubMed 31216868; PubMed 31587567; PubMed 38412038.

NM_001267550.2(TTN):c.1522del (p.His507_Val508insTer)

Gene: TTN (titin; minus strand). Cytogenetic location: 2q31.2.
Variant type: Deletion.
Coding change: c.1522del on transcript NM_001267550.2 (MANE Select); coding-DNA position 1522, one base deleted (G; older notation c.1522delG).
Protein change: p.His507_Val508insTer.
Molecular consequence: nonsense.
Genome position (GRCh38, 1-based): chr2:178,793,418, C deleted on the plus strand (G on the coding strand, the reverse complement: TTN is on the minus strand). VCF-style (leftmost placement, unchanged base first): chr2-178793417-AC-A. GRCh37 (hg19) VCF-style: chr2-179658144-AC-A.
Other names: c.1522del, p.His507_Val508insTer (NM_001256850.1, NM_003319.4, NM_133378.4 and 3 more transcripts); c.1522delG (NM_001267550.2).
Identifiers: ClinVar variation 3773794 (VCV003773794.1).